The following is an entry in ClinVar:

NM_004168.4(SDHA):c.131C>G (p.Ser44Cys)

Gene: SDHA (succinate dehydrogenase complex flavoprotein subunit A; plus strand). Cytogenetic location: 5p15.33.
Variant type: single nucleotide variant.
Coding change: c.131C>G on transcript NM_004168.4 (MANE Select); coding-DNA position 131, C replaced by G.
Protein change: p.Ser44Cys; replaces serine 44 with cysteine.
Molecular consequence: missense variant.
Genome position (GRCh38, 1-based): chr5:223,549, C>G. VCF-style: chr5-223549-C-G. GRCh37 (hg19) VCF-style: chr5-223664-C-G.
Other names: c.131C>G, p.Ser44Cys (NM_001294332.2, NM_001330758.2); short protein forms S44C.
Identifiers: ClinVar variation 2094379 (VCV002094379.4), dbSNP rs1734835164, ClinGen allele CA359008256.

ClinVar aggregate classification (germline): Uncertain significance (1 of 4 stars; one submission).

Conditions:
Pheochromocytoma/paraganglioma syndrome 5. Also called: Paragangliomas 5; SDHA-Related Hereditary Paraganglioma-Pheochromocytoma Syndrome. Identifiers: Orphanet 29072, MedGen C3279992, MONDO:0013602, OMIM 614165.
Mitochondrial complex II deficiency, nuclear type 1. Also called: SUCCINATE CoQ REDUCTASE DEFICIENCY. Identifiers: Orphanet 3208, MedGen C5700310, MONDO:0100294, OMIM 252011.

Submission:

Labcorp Genetics (formerly Invitae), Labcorp
Classification: Uncertain significance for Pheochromocytoma/paraganglioma syndrome 5; Mitochondrial complex II deficiency, nuclear type 1. Last evaluated: 2022-02-07. Review status: criteria provided, single submitter. Criteria: Invitae Variant Classification Sherloc (09022015). Collection method: clinical testing. Allele origin: germline.
Comment: In summary, the available evidence is currently insufficient to determine the role of this variant in disease. Therefore, it has been classified as a Variant of Uncertain Significance. Advanced modeling of protein sequence and biophysical properties (such as structural, functional, and spatial information, amino acid conservation, physicochemical variation, residue mobility, and thermodynamic stability) performed at Invitae indicates that this missense variant is not expected to disrupt SDHA protein function. This variant has not been reported in the literature in individuals affected with SDHA-related conditions. This variant is not present in population databases (gnomAD no frequency). This sequence change replaces serine, which is neutral and polar, with cysteine, which is neutral and slightly polar, at codon 44 of the SDHA protein (p.Ser44Cys).